The following is an entry in ClinVar:

NM_000463.3(UGT1A1):c.194C>T (p.Ser65Leu)

Genes: UGT1A1 (UDP glucuronosyltransferase family 1 member A1; plus strand), UGT1A10 (UDP glucuronosyltransferase family 1 member A10; plus strand), UGT1A3 (UDP glucuronosyltransferase family 1 member A3; plus strand), UGT1A4 (UDP glucuronosyltransferase family 1 member A4; plus strand), UGT1A5 (UDP glucuronosyltransferase family 1 member A5; plus strand) and 5 more. Cytogenetic location: 2q37.1.
Variant type: single nucleotide variant.
Coding change: c.194C>T on transcript NM_000463.3 (MANE Select); coding-DNA position 194, C replaced by T.
Protein change: p.Ser65Leu; replaces serine 65 with leucine.
Molecular consequence: missense variant. On other transcripts: intron variant (9).
Genome position (GRCh38, 1-based): chr2:233,760,481, C>T. VCF-style: chr2-233760481-C-T. GRCh37 (hg19) VCF-style: chr2-234669127-C-T.
Other names: c.856-6553C>T (NM_019076.5, NM_019075.4, NM_021027.3 and 1 more transcripts); c.61-6553C>T (NM_205862.3); c.862-6553C>T (NM_001072.4); c.868-6553C>T (NM_019078.2, NM_007120.3, NM_019093.4); short protein forms S65L.
Identifiers: ClinVar variation 2690417 (VCV002690417.4), dbSNP rs762109713, ClinGen allele CA2179788.
Genomic context (GRCh38, chr2:233,760,481, plus strand): 5'-GGGCCATCCAGCAGCTGCAGCAGAGGGGACATGAAATAGTTGTCCTAGCACCTGACGCCT[C>T]GTTGTACATCAGAGACGGAGCATTTTACACCTTGAAGACGTACCCTGTGCCATTCCAAAG-3'
Protein context (NP_000454.1, residues 55-75): HEIVVLAPDA[Ser65Leu]LYIRDGAFYT

ClinVar aggregate classification (germline): Uncertain significance. Review status: criteria provided, multiple submitters, no conflicts (2 of 4 stars). 2 submissions from 2 submitters: Uncertain significance (2). Last evaluated 2026-07-21.

Conditions:
UGT1A1-related disorder. Also called: UGT1A1-related disorders; UGT1A1-related condition.

Allele frequency attached by ClinVar (database versions not stated): gnomAD 0.00003; TOPMed 0.00003; ExAC 0.00004; gnomAD exomes 0.00004.
gnomAD v4.1: 65 of 1,614,070 alleles (0.004%); highest among the groups gnomAD compares: African/African-American, 0.0053%; no homozygotes.

Submissions (2):

PreventionGenetics, part of Exact Sciences
Classification: Uncertain significance for UGT1A1-related condition. Last evaluated: 2026-07-21. Review status: criteria provided, single submitter. Criteria: ACMG Guidelines, 2015. Collection method: clinical testing. Allele origin: germline.
Comment: The UGT1A1 c.194C>T variant is predicted to result in the amino acid substitution p.Ser65Leu. To our knowledge, this variant has not been reported in the literature. This variant is reported in 0.018% of alleles in individuals of African descent in gnomAD. At this time, the clinical significance of this variant is uncertain due to the absence of conclusive functional and genetic evidence.

Revvity Omics, Revvity
Classification: Uncertain significance. Last evaluated: 2024-08-20. Review status: criteria provided, single submitter. Criteria: ACMG Guidelines, 2015. Collection method: clinical testing. Allele origin: germline.